The following is an entry in ClinVar:

ClinVar aggregate classification (germline): Benign. Review status: criteria provided, multiple submitters, no conflicts (2 of 4 stars). 2 submissions from 2 submitters: Benign (2). Last evaluated 2018-06-16.

Allele frequency attached by ClinVar (database versions not stated): gnomAD 0.38581 and 0.38725; TOPMed 0.39652; 1000 Genomes Project 0.46186; 1000 Genomes Project 30x 0.46471.
gnomAD v4.1: 58,693 of 151,912 alleles (39%); highest among the groups gnomAD compares: East Asian, 57%; 12,209 homozygotes.

Submissions (2):

GeneDx
Classification: Benign. Last evaluated: 2018-06-16. Review status: criteria provided, single submitter. Criteria: GeneDx Variant Classification (06012015). Collection method: clinical testing. Allele origin: germline. Affected: yes.
Comment: This variant is considered likely benign or benign based on one or more of the following criteria: it is a conservative change, it occurs at a poorly conserved position in the protein, it is predicted to be benign by multiple in silico algorithms, and/or has population frequency not consistent with disease.

Breakthrough Genomics
Classification: Benign. Review status: criteria provided, single submitter. Criteria: ACMG Guidelines, 2015. Collection method: not provided. Allele origin: germline. Inheritance: Autosomal dominant inheritance. Affected: yes.

NM_000138.5(FBN1):c.4211-171A>C

Genes: FBN1 (fibrillin 1; minus strand), LOC126862124 (CDK7 strongly-dependent group 2 enhancer GRCh37_chr15:48764566-48765765; plus strand). Cytogenetic location: 15q21.1.
Variant type: single nucleotide variant.
Coding change: c.4211-171A>C on transcript NM_000138.5 (MANE Select); 171 bases into the intron before coding-DNA position 4211, A replaced by C.
Molecular consequence: intron variant.
Genome position (GRCh38, 1-based): chr15:48,472,847, T>G on the plus strand (A>C on the coding strand, the complement: FBN1 is on the minus strand). VCF-style: chr15-48472847-T-G. GRCh37 (hg19) VCF-style: chr15-48765044-T-G.
Identifiers: ClinVar variation 672312 (VCV000672312.2), dbSNP rs28730795, ClinGen allele CA14131407.